The following is an entry in ClinVar:

NM_001379403.1(WDR26):c.1159C>T (p.Gln387Ter)

Gene: WDR26 (WD repeat domain 26; minus strand). Cytogenetic location: 1q42.12.
Variant type: single nucleotide variant.
Coding change: c.1159C>T on transcript NM_001379403.1 (MANE Select); coding-DNA position 1159, C replaced by T.
Protein change: p.Gln387Ter; replaces glutamine 387 with a stop codon.
Molecular consequence: nonsense.
Genome position (GRCh38, 1-based): chr1:224,419,521, G>A on the plus strand (C>T on the coding strand, the complement: WDR26 is on the minus strand). VCF-style: chr1-224419521-G-A. GRCh37 (hg19) VCF-style: chr1-224607223-G-A.
Other names: c.811C>T, p.Gln271Ter (NM_001115113.3); c.859C>T, p.Gln287Ter (NM_025160.7); short protein forms Q271*, Q287*, Q387*.
Identifiers: ClinVar variation 4854455 (VCV004854455.1).

ClinVar aggregate classification (germline): Likely pathogenic (1 of 4 stars; one submission).

Conditions:
Skraban-Deardorff syndrome. Also called: INTELLECTUAL DISABILITY WITH SEIZURES, ABNORMAL GAIT, AND DISTINCTIVE FACIAL FEATURES; WDR26-Related Intellectual Disability. Identifiers: Orphanet 513456, MedGen C4539927, MONDO:0054636, OMIM 617616.

Submission:

3billion
Classification: Likely pathogenic for Skraban-Deardorff syndrome. Last evaluated: 2025-05-13. Review status: criteria provided, single submitter. Criteria: ACMG Guidelines, 2015. Collection method: clinical testing. Allele origin: germline. Affected: yes.
Comment: The variant is not observed in the gnomAD v4.1.0 dataset. Predicted Consequence/Location: Stop-gained (nonsense): predicted to result in a loss or disruption of normal protein function through nonsense-mediated decay (NMD) or protein truncation. Multiple pathogenic variants are reported downstream of the variant. Therefore, this variant is classified as Likely pathogenic according to the recommendation of ACMG/AMP guideline.